The following is an entry in ClinVar:

ClinVar aggregate classification (germline): Uncertain significance (1 of 4 stars; one submission).

Conditions:
Cardiovascular phenotype. Identifiers: MedGen CN230736.
Hereditary cancer-predisposing syndrome. Also called: Neoplastic Syndromes, Hereditary; Tumor predisposition; Hereditary Cancer Syndrome; Hereditary neoplastic syndrome. Identifiers: Orphanet 140162, MedGen C0027672, MeSH D009386, MONDO:0015356.

Submission:

Ambry Genetics
Classification: Uncertain significance for Cardiovascular phenotype; Hereditary cancer-predisposing syndrome. Last evaluated: 2026-04-10. Review status: criteria provided, single submitter. Criteria: Ambry Variant Classification Scheme 2023. Collection method: clinical testing. Allele origin: germline.
Comment: The p.D896V variant (also known as c.2687A>T), located in coding exon 21 of the NF1 gene, results from an A to T substitution at nucleotide position 2687. The aspartic acid at codon 896 is replaced by valine, an amino acid with highly dissimilar properties. This amino acid position is highly conserved in available vertebrate species. In addition, this alteration is predicted to be deleterious by in silico analysis. Based on the available evidence, the clinical significance of this variant remains unclear.

NM_001042492.3(NF1):c.2687A>T (p.Asp896Val)

Gene: NF1 (neurofibromin 1; plus strand). Cytogenetic location: 17q11.2.
Variant type: single nucleotide variant.
Coding change: c.2687A>T on transcript NM_001042492.3 (MANE Select); coding-DNA position 2687, A replaced by T.
Protein change: p.Asp896Val; replaces aspartic acid 896 with valine.
Molecular consequence: missense variant.
Genome position (GRCh38, 1-based): chr17:31,229,302, A>T. VCF-style: chr17-31229302-A-T. GRCh37 (hg19) VCF-style: chr17-29556320-A-T.
Other names: c.2687A>T, p.Asp896Val (NM_000267.4); short protein forms D896V.
Identifiers: ClinVar variation 4860907 (VCV004860907.1).
Genomic context (GRCh38, chr17:31,229,302, plus strand): 5'-CTATGATTTCAGTGATGTCTTCAGAGGGAAACGCAGATACACCTGTCAGCAAATTTATGG[A>T]TCGGCTGTTGTCCTTAATGGTGTGTAACCATGAGAAAGTGGGACTTCAAATACGGACCAA-3'
Protein context (NP_001035957.1, residues 886-906): NADTPVSKFM[Asp896Val]RLLSLMVCNH